The following is an entry in ClinVar:

ClinVar aggregate classification (germline): Pathogenic (1 of 4 stars; one submission).

Conditions:
Ullrich congenital muscular dystrophy 2 (UCMD2). Identifiers: Orphanet 75840, MedGen C4225314, MONDO:0014654, OMIM 616470.
Bethlem myopathy 2 (BTHLM2). Identifiers: Orphanet 536516, Orphanet 610, MedGen C4225313, MONDO:0034022, OMIM 616471.

Submission:

Labcorp Genetics (formerly Invitae), Labcorp
Classification: Pathogenic for Bethlem myopathy 2; Ullrich congenital muscular dystrophy 2. Last evaluated: 2024-11-18. Review status: criteria provided, single submitter. Criteria: Invitae Variant Classification Sherloc (09022015). Collection method: clinical testing. Allele origin: germline.
Comment: This sequence change creates a premature translational stop signal (p.Thr1986Alafs*50) in the COL12A1 gene. It is expected to result in an absent or disrupted protein product. Loss-of-function variants in COL12A1 are known to be pathogenic (PMID: 24334604, 28973083). This variant is not present in population databases (gnomAD no frequency). This variant has not been reported in the literature in individuals affected with COL12A1-related conditions. Algorithms developed to predict the effect of sequence changes on RNA splicing suggest that this variant may disrupt the consensus splice site. For these reasons, this variant has been classified as Pathogenic.

Literature cited by the submitters: PubMed 24334604; PubMed 28973083.

NM_004370.6(COL12A1):c.5956_5957del (p.Thr1986fs)

Gene: COL12A1 (collagen type XII alpha 1 chain; minus strand). Cytogenetic location: 6q13.
Variant type: Microsatellite.
Coding change: c.5956_5957del on transcript NM_004370.6 (MANE Select); coding-DNA positions 5956 to 5957, 2 bases deleted (AC; older notation c.5956_5957delAC).
Protein change: p.Thr1986fs; shifts the reading frame from threonine 1986.
Molecular consequence: frameshift variant.
Genome position (GRCh38, 1-based): chr6:75,130,962-75,130,963, GT deleted on the plus strand (AC on the coding strand, the reverse complement: COL12A1 is on the minus strand); deleting any 2 consecutive bases within chr6:75,130,962-75,130,965 gives the same sequence; the c. name uses the placement nearest the transcript's 3' end. VCF-style (leftmost placement, unchanged base first): chr6-75130961-CGT-C. GRCh37 (hg19) VCF-style: chr6-75840677-CGT-C.
Other names: c.5956_5957del, p.Thr1986fs (NM_001424113.1); c.5935_5936del, p.Thr1979fs (NM_001424114.1); c.5683_5684del, p.Thr1895fs (NM_001424115.1); c.2464_2465del, p.Thr822fs (NM_001424116.1, NM_080645.3); short protein forms T1895fs, T1979fs, T1986fs, T822fs.
Identifiers: ClinVar variation 3751105 (VCV003751105.2).